The following is an entry in ClinVar:

ClinVar aggregate classification (germline): Uncertain significance. Review status: criteria provided, multiple submitters, no conflicts (2 of 4 stars). 4 submissions from 4 submitters: Uncertain significance (3). 1 of the submissions does not count toward it. Last evaluated 2025-11-07.

Conditions:
Autosomal recessive limb-girdle muscular dystrophy type 2O. Also called: MUSCULAR DYSTROPHY-DYSTROGLYCANOPATHY (LIMB-GIRDLE), TYPE C, 3; MUSCULAR DYSTROPHY-DYSTROGLYCANOPATHY, LIMB-GIRDLE, POMGNT1-RELATED; Limb-Girdle Muscular Dystrophy Type 3C. Identifiers: Orphanet 206564, MedGen C3150417, MONDO:0013161, OMIM 613157.
Muscle eye brain disease (MEB). Also called: Santavuori congenital muscular dystrophy. Identifiers: Orphanet 588, Orphanet 899, MedGen C0457133, MONDO:0018939.
Muscular dystrophy-dystroglycanopathy (congenital with impaired intellectual development), type B, 3. Also called: MUSCULAR DYSTROPHY, CONGENITAL, POMGNT1-RELATED; Muscular dystrophy-dystroglycanopathy (congenital with intellectual disability), type B3. Identifiers: MedGen C3150412, MONDO:0013155, OMIM 613151.

Allele frequency attached by ClinVar (database versions not stated): gnomAD 0.00001; gnomAD exomes 0.00001 and below 0.00001; TOPMed 0.00002.
gnomAD v4.1: 8 of 1,613,646 alleles (0.0005%); highest among the groups gnomAD compares: East Asian, 0.0067%; no homozygotes.

Submissions (4):

Clinical Genetics Laboratory, University Hospital Schleswig-Holstein
Classification: Uncertain significance for Autosomal recessive limb-girdle muscular dystrophy type 2O. Last evaluated: 2025-11-07. Review status: criteria provided, single submitter. Criteria: ACMG Guidelines, 2015. Collection method: clinical testing. Allele origin: paternal. Affected: yes. Observed: 1 heterozygote.
Comment: ACMG criteria applied: PM2, PP3, PP2, BP2

Blueprint Genetics
Classification: Uncertain significance. Last evaluated: 2024-06-10. Review status: criteria provided, single submitter. Criteria: ACMG Guidelines, 2015. Collection method: clinical testing. Allele origin: germline.

Labcorp Genetics (formerly Invitae), Labcorp
Classification: Uncertain significance for Autosomal recessive limb-girdle muscular dystrophy type 2O; Muscular dystrophy-dystroglycanopathy (congenital with impaired intellectual development), type B, 3. Last evaluated: 2021-12-03. Review status: criteria provided, single submitter. Criteria: Invitae Variant Classification Sherloc (09022015). Collection method: clinical testing. Allele origin: germline.
Comment: This sequence change replaces valine, which is neutral and non-polar, with methionine, which is neutral and non-polar, at codon 368 of the POMGNT1 protein (p.Val368Met). This variant is present in population databases (no rsID available, gnomAD 0.006%). This variant has not been reported in the literature in individuals affected with POMGNT1-related conditions. ClinVar contains an entry for this variant (Variation ID: 861593). Advanced modeling of protein sequence and biophysical properties (such as structural, functional, and spatial information, amino acid conservation, physicochemical variation, residue mobility, and thermodynamic stability) performed at Invitae indicates that this missense variant is not expected to disrupt POMGNT1 protein function. In summary, the available evidence is currently insufficient to determine the role of this variant in disease. Therefore, it has been classified as a Variant of Uncertain Significance.

Natera, Inc.
Classification: Uncertain significance for Muscle-eye-brain disease. Last evaluated: 2020-09-16. Review status: no assertion criteria provided. Collection method: clinical testing. Allele origin: germline. Not counted in ClinVar's aggregate classification.

NM_017739.4(POMGNT1):c.1102G>A (p.Val368Met)

Genes: POMGNT1 (protein O-linked mannose N-acetylglucosaminyltransferase 1 (beta 1,2-); minus strand), TSPAN1 (tetraspanin 1; plus strand). Cytogenetic location: 1p34.1.
Variant type: single nucleotide variant.
Coding change: c.1102G>A on transcript NM_017739.4 (MANE Select); coding-DNA position 1102, G replaced by A.
Protein change: p.Val368Met; replaces valine 368 with methionine.
Molecular consequence: missense variant.
Genome position (GRCh38, 1-based): chr1:46,193,313, C>T on the plus strand (G>A on the coding strand, the complement: POMGNT1 is on the minus strand). VCF-style: chr1-46193313-C-T. GRCh37 (hg19) VCF-style: chr1-46658985-C-T.
Other names: c.1102G>A, p.Val368Met (NM_001243766.2, NM_001410783.1); c.1036G>A, p.Val346Met (NM_001290129.3); c.673G>A, p.Val225Met (NM_001290130.2); short protein forms V368M, V225M, V346M.
Identifiers: ClinVar variation 861593 (VCV000861593.6), dbSNP rs1332597566, ClinGen allele CA340179741.